The following is an entry in ClinVar:

NM_015374.3(SUN2):c.1373C>T (p.Pro458Leu)

Genes: GTPBP1 (GTP binding protein 1; plus strand), SUN2 (Sad1 and UNC84 domain containing 2; minus strand). Cytogenetic location: 22q13.1.
Variant type: single nucleotide variant.
Coding change: c.1373C>T on transcript NM_015374.3 (MANE Select); coding-DNA position 1373, C replaced by T.
Protein change: p.Pro458Leu; replaces proline 458 with leucine.
Molecular consequence: missense variant.
Genome position (GRCh38, 1-based): chr22:38,739,927, G>A on the plus strand (C>T on the coding strand, the complement: SUN2 is on the minus strand). VCF-style: chr22-38739927-G-A. GRCh37 (hg19) VCF-style: chr22-39135932-G-A.
Other names: c.1373C>T (NM_015374.2); c.1436C>T, p.Pro479Leu (NM_001199579.2); c.1373C>T, p.Pro458Leu (NM_001199580.2); short protein forms P458L, P479L.
Identifiers: ClinVar variation 1002223 (VCV001002223.8), dbSNP rs781480505, ClinGen allele CA10235563.

ClinVar aggregate classification (germline): Uncertain significance. Review status: criteria provided, multiple submitters, no conflicts (2 of 4 stars). 2 submissions from 2 submitters: Uncertain significance (2). Last evaluated 2025-10-01.

Conditions:
Emery-Dreifuss muscular dystrophy (EDMD). Also called: Scapuloperoneal syndrome, X-linked (formerly); Humeroperoneal neuromuscular disease, (formerly). Identifiers: Orphanet 261, MedGen C0410189, MONDO:0016830.

Allele frequency attached by ClinVar (database versions not stated): gnomAD 0.00001; ExAC 0.00002; gnomAD exomes 0.00002 and 0.00004; TOPMed 0.00002.
gnomAD v4.1: 30 of 1,611,344 alleles (0.0019%); highest among the groups gnomAD compares: Admixed American, 0.01%; no homozygotes.

Submissions (2):

Labcorp Genetics (formerly Invitae), Labcorp
Classification: Uncertain significance for Emery-Dreifuss muscular dystrophy. Last evaluated: 2025-10-01. Review status: criteria provided, single submitter. Criteria: Invitae Variant Classification Sherloc (09022015). Collection method: clinical testing. Allele origin: germline.
Comment: This sequence change replaces proline, which is neutral and non-polar, with leucine, which is neutral and non-polar, at codon 458 of the SUN2 protein (p.Pro458Leu). This variant is present in population databases (rs781480505, gnomAD 0.009%). This variant has not been reported in the literature in individuals affected with SUN2-related conditions. ClinVar contains an entry for this variant (Variation ID: 1002223). An algorithm developed to predict the effect of missense changes on protein structure and function (PolyPhen-2) suggests that this variant is likely to be disruptive. In summary, the available evidence is currently insufficient to determine the role of this variant in disease. Therefore, it has been classified as a Variant of Uncertain Significance.

Ambry Genetics
Classification: Uncertain significance. Last evaluated: 2025-08-12. Review status: criteria provided, single submitter. Criteria: Ambry Variant Classification Scheme 2023. Collection method: clinical testing. Allele origin: germline.